The following is an entry in ClinVar:

NM_015378.4(VPS13D):c.9196C>A (p.Leu3066Met)

Gene: VPS13D (vacuolar protein sorting 13 homolog D; plus strand). Cytogenetic location: 1p36.22.
Variant type: single nucleotide variant.
Coding change: c.9196C>A on transcript NM_015378.4 (MANE Select); coding-DNA position 9196, C replaced by A.
Protein change: p.Leu3066Met; replaces leucine 3066 with methionine.
Molecular consequence: missense variant.
Genome position (GRCh38, 1-based): chr1:12,348,949, C>A. VCF-style: chr1-12348949-C-A. GRCh37 (hg19) VCF-style: chr1-12409006-C-A.
Other names: c.9121C>A, p.Leu3041Met (NM_018156.4); short protein forms L3041M, L3066M.
Identifiers: ClinVar variation 1328134 (VCV001328134.6), dbSNP rs201819449, ClinGen allele CA603362.

ClinVar aggregate classification (germline): Uncertain significance. Review status: criteria provided, multiple submitters, no conflicts (2 of 4 stars). 2 submissions from 2 submitters: Uncertain significance (2). Last evaluated 2023-12-18.

Conditions:
Autosomal recessive cerebellar ataxia-saccadic intrusion syndrome. Also called: SPINOCEREBELLAR ATAXIA 24; VPS13D Movement Disorder. Identifiers: Orphanet 95434, MedGen C1846492, MONDO:0011811, OMIM 607317.

Allele frequency attached by ClinVar (database versions not stated): gnomAD 0.00001 and 0.00003; TOPMed 0.00003; ExAC 0.00005; gnomAD exomes 0.00005.
gnomAD v4.1: 89 of 1,614,208 alleles (0.0055%); highest among the groups gnomAD compares: Middle Eastern, 0.12%; no homozygotes.

Submissions (2):

Labcorp Genetics (formerly Invitae), Labcorp
Classification: Uncertain significance. Last evaluated: 2023-12-18. Review status: criteria provided, single submitter. Criteria: Invitae Variant Classification Sherloc (09022015). Collection method: clinical testing. Allele origin: germline.
Comment: This sequence change replaces leucine, which is neutral and non-polar, with methionine, which is neutral and non-polar, at codon 3066 of the VPS13D protein (p.Leu3066Met). This variant is present in population databases (rs201819449, gnomAD 0.02%). This variant has not been reported in the literature in individuals affected with VPS13D-related conditions. ClinVar contains an entry for this variant (Variation ID: 1328134). Advanced modeling of protein sequence and biophysical properties (such as structural, functional, and spatial information, amino acid conservation, physicochemical variation, residue mobility, and thermodynamic stability) performed at Invitae indicates that this missense variant is not expected to disrupt VPS13D protein function with a negative predictive value of 80%. In summary, the available evidence is currently insufficient to determine the role of this variant in disease. Therefore, it has been classified as a Variant of Uncertain Significance.

Illumina Laboratory Services, Illumina
Classification: Uncertain significance for Autosomal recessive cerebellar ataxia-saccadic intrusion syndrome. Last evaluated: 2021-09-23. Review status: criteria provided, single submitter. Criteria: ICSLVariantClassificationCriteria RUGD 01 April 2020. Collection method: clinical testing. Allele origin: unknown.
Comment: The VPS13D c.9196C>A (p.Leu3066Met) variant is a missense variant. A literature search was performed for the gene, cDNA change, and amino acid change. No publications were found based on this search. The p.Leu3066Met variant is reported at a frequency of 0.000261 in the South Asian population of the Genome Aggregation Database (version 2.1.1). Based on the limited evidence, the p.Leu3066Met variant is classified as a variant of uncertain significance for VPS13D-related movement disorder.